The following is an entry in ClinVar:

ClinVar aggregate classification (germline): Uncertain significance. Review status: criteria provided, multiple submitters, no conflicts (2 of 4 stars). 3 submissions from 3 submitters: Uncertain significance (3). Last evaluated 2025-11-04.

Conditions:
Bardet-Biedl syndrome 1 (BBS1). Identifiers: MedGen C2936862, MONDO:0008854, OMIM 209900. Disease mechanism: loss of function.
BBS1-related disorder. Also called: BBS1-related condition.
Bardet-Biedl syndrome (BBS). Identifiers: Orphanet 110, MedGen C0752166, MONDO:0015229.

Allele frequency attached by ClinVar (database versions not stated): gnomAD exomes below 0.00001.
gnomAD v4.1: 2 of 1,613,616 alleles (0.00012%); highest among the groups gnomAD compares: African/African-American, 0.0027%; no homozygotes.

Submissions (3):

PreventionGenetics, part of Exact Sciences
Classification: Uncertain significance for BBS1-related condition. Last evaluated: 2025-11-04. Review status: criteria provided, single submitter. Criteria: ACMG Guidelines, 2015. Collection method: clinical testing. Allele origin: germline.
Comment: The BBS1 c.677A>G variant is predicted to result in the amino acid substitution p.Lys226Arg. To our knowledge, this variant has not been reported in the literature or in a large population database (gnomAD), indicating this variant is rare. At this time, the clinical significance of this variant is uncertain due to the absence of conclusive functional and genetic evidence.

Labcorp Genetics (formerly Invitae), Labcorp
Classification: Uncertain significance for Bardet-Biedl syndrome. Last evaluated: 2022-07-19. Review status: criteria provided, single submitter. Criteria: Invitae Variant Classification Sherloc (09022015). Collection method: clinical testing. Allele origin: germline.
Comment: This sequence change replaces lysine, which is basic and polar, with arginine, which is basic and polar, at codon 226 of the BBS1 protein (p.Lys226Arg). This variant is not present in population databases (gnomAD no frequency). This variant has not been reported in the literature in individuals affected with BBS1-related conditions. ClinVar contains an entry for this variant (Variation ID: 852447). Algorithms developed to predict the effect of missense changes on protein structure and function output the following: SIFT: "Tolerated"; PolyPhen-2: "Benign"; Align-GVGD: "Class C0". The arginine amino acid residue is found in multiple mammalian species, which suggests that this missense change does not adversely affect protein function. In summary, the available evidence is currently insufficient to determine the role of this variant in disease. Therefore, it has been classified as a Variant of Uncertain Significance.

Fulgent Genetics
Classification: Uncertain significance for Bardet-Biedl syndrome 1. Last evaluated: 2022-02-08. Review status: criteria provided, single submitter. Criteria: ACMG Guidelines, 2015. Collection method: clinical testing. Allele origin: unknown.

NM_024649.5(BBS1):c.677A>G (p.Lys226Arg)

Gene: BBS1 (Bardet-Biedl syndrome 1; plus strand). Cytogenetic location: 11q13.2.
Variant type: single nucleotide variant.
Coding change: c.677A>G on transcript NM_024649.5 (MANE Select); coding-DNA position 677, A replaced by G.
Protein change: p.Lys226Arg; replaces lysine 226 with arginine.
Molecular consequence: missense variant.
Genome position (GRCh38, 1-based): chr11:66,519,702, A>G. VCF-style: chr11-66519702-A-G. GRCh37 (hg19) VCF-style: chr11-66287173-A-G.
Other names: short protein forms K226R.
Identifiers: ClinVar variation 852447 (VCV000852447.9), dbSNP rs1856141438, ClinGen allele CA381458884.